The following is an entry in ClinVar:

ClinVar aggregate classification (germline): Uncertain significance. Review status: criteria provided, multiple submitters, no conflicts (2 of 4 stars). 2 submissions from 2 submitters: Uncertain significance (2). Last evaluated 2025-05-03.

Conditions:
Inborn genetic diseases. Identifiers: MedGen C0950123, MeSH D030342.

Allele frequency attached by ClinVar (database versions not stated): gnomAD 0.00003; ExAC 0.00006; gnomAD exomes 0.00006; TOPMed 0.00006.
gnomAD v4.1: 87 of 1,614,030 alleles (0.0054%); highest among the groups gnomAD compares: Non-Finnish European, 0.0066%; no homozygotes.

Submissions (2):

Ambry Genetics
Classification: Uncertain significance for Inborn genetic diseases. Last evaluated: 2025-05-03. Review status: criteria provided, single submitter. Criteria: Ambry Variant Classification Scheme 2023. Collection method: clinical testing. Allele origin: germline.

Labcorp Genetics (formerly Invitae), Labcorp
Classification: Uncertain significance. Last evaluated: 2025-03-10. Review status: criteria provided, single submitter. Criteria: Invitae Variant Classification Sherloc (09022015). Collection method: clinical testing. Allele origin: germline.
Comment: This sequence change replaces aspartic acid, which is acidic and polar, with glutamic acid, which is acidic and polar, at codon 1473 of the POLR1A protein (p.Asp1473Glu). This variant is present in population databases (rs201297927, gnomAD 0.01%). This variant has not been reported in the literature in individuals affected with POLR1A-related conditions. ClinVar contains an entry for this variant (Variation ID: 1366407). An algorithm developed to predict the effect of missense changes on protein structure and function outputs the following: PolyPhen-2: "Benign". The glutamic acid amino acid residue is found in multiple mammalian species, which suggests that this missense change does not adversely affect protein function. In summary, the available evidence is currently insufficient to determine the role of this variant in disease. Therefore, it has been classified as a Variant of Uncertain Significance.

NM_015425.6(POLR1A):c.4419C>A (p.Asp1473Glu)

Gene: POLR1A (RNA polymerase I subunit A; minus strand). Cytogenetic location: 2p11.2.
Variant type: single nucleotide variant.
Coding change: c.4419C>A on transcript NM_015425.6 (MANE Select); coding-DNA position 4419, C replaced by A.
Protein change: p.Asp1473Glu; replaces aspartic acid 1473 with glutamic acid.
Molecular consequence: missense variant.
Genome position (GRCh38, 1-based): chr2:86,031,489, G>T on the plus strand (C>A on the coding strand, the complement: POLR1A is on the minus strand). VCF-style: chr2-86031489-G-T. GRCh37 (hg19) VCF-style: chr2-86258612-G-T.
Other names: c.4419C>A (NM_015425.3); short protein forms D1473E.
Identifiers: ClinVar variation 1366407 (VCV001366407.8), dbSNP rs201297927, ClinGen allele CA1745503.